The following is an entry in ClinVar:

NM_000038.6(APC):c.645+1G>C

Gene: APC (APC regulator of Wnt signaling pathway; plus strand). Cytogenetic location: 5q22.2.
Variant type: single nucleotide variant.
Coding change: c.645+1G>C on transcript NM_000038.6 (MANE Select); the canonical splice donor site of the intron after coding-DNA position 645, G replaced by C.
Molecular consequence: splice donor variant.
Genome position (GRCh38, 1-based): chr5:112,780,904, G>C. VCF-style: chr5-112780904-G-C. GRCh37 (hg19) VCF-style: chr5-112116601-G-C.
Other names: c.-391+1G>C (NM_001407470.1, NM_001407472.1, NM_001354906.2 and 1 more transcripts); c.645+1G>C (NM_001407447.1, NM_001354895.2, NM_001407456.1 and 16 more transcripts); c.675+1G>C (NM_001407446.1, NM_001354897.2, NM_001354902.2 and 1 more transcripts); c.468+1G>C (NM_001407453.1, NM_001354900.2, NM_001354901.2 and 1 more transcripts); c.570+1G>C (NM_001407451.1, NM_001354898.2, NM_001354904.2).
Identifiers: ClinVar variation 1753603 (VCV001753603.8), dbSNP rs863225370, ClinGen allele CA360617498.

ClinVar aggregate classification (germline): Pathogenic/Likely pathogenic. Review status: criteria provided, multiple submitters, no conflicts (2 of 4 stars). 4 submissions from 4 submitters: Pathogenic (3); Likely pathogenic (1). Last evaluated 2024-07-30.

Conditions:
Hereditary cancer-predisposing syndrome. Also called: Neoplastic Syndromes, Hereditary; Tumor predisposition; Hereditary Cancer Syndrome; Hereditary neoplastic syndrome. Identifiers: Orphanet 140162, MedGen C0027672, MeSH D009386, MONDO:0015356.
Familial adenomatous polyposis 1 (FAP1). Also called: FAMILIAL ADENOMATOUS POLYPOSIS 1, ATTENUATED; POLYPOSIS, ADENOMATOUS INTESTINAL. Identifiers: MedGen C2713442, MONDO:0021056, OMIM 175100. Disease mechanism: loss of function.

Submissions (4):

Labcorp Genetics (formerly Invitae), Labcorp
Classification: Pathogenic for Familial adenomatous polyposis 1. Last evaluated: 2024-07-30. Review status: criteria provided, single submitter. Criteria: Invitae Variant Classification Sherloc (09022015). Collection method: clinical testing. Allele origin: germline.
Comment: This sequence change affects a donor splice site in intron 6 of the APC gene. RNA analysis indicates that disruption of this splice site induces altered splicing and may result in an absent or altered protein product. This variant is not present in population databases (gnomAD no frequency). Disruption of this splice site has been observed in individuals with familial adenomatous polyposis (PMID: 17411426; Invitae). ClinVar contains an entry for this variant (Variation ID: 1753603). Studies have shown that disruption of this splice site results in activation of a cryptic splice site, and produces a non-functional protein and/or introduces a premature termination codon (Invitae). For these reasons, this variant has been classified as Pathogenic.

Ambry Genetics
Classification: Pathogenic for Hereditary cancer-predisposing syndrome. Last evaluated: 2024-04-16. Review status: criteria provided, single submitter. Criteria: Ambry Variant Classification Scheme 2023. Collection method: clinical testing. Allele origin: germline.
Comment: The c.645+1G>C intronic pathogenic mutation results from a G to C substitution one nucleotide after coding exon 5 of the APC gene. This variant has been observed in at least one individual with a personal and/or family history that is consistent with Familial Adenomatous Polyposis (FAP) (Ambry internal data). Two other alterations at the same nucleotide position, c.645+1G>A and c.645+1G>T, have also been reported in patients with FAP (Stekrova J, BMC Med. Genet. 2007 ; 8():16; Olschwang S, Am. J. Hum. Genet. 1993 Feb; 52(2):273-9). This nucleotide position is highly conserved in available vertebrate species. In silico splice site analysis predicts that c.645+1G>C will weaken the native splice donor site and will result in the creation or strengthening of a novel splice donor site. Alterations that disrupt the canonical splice site are expected to cause aberrant splicing, resulting in an abnormal protein or a transcript that is subject to nonsense-mediated mRNA decay. Based on the supporting evidence, this variant is interpreted as a disease-causing mutation.

Myriad Genetics, Inc.
Classification: Likely pathogenic for Familial adenomatous polyposis 1. Last evaluated: 2023-04-27. Review status: criteria provided, single submitter. Criteria: Myriad Autosomal Dominant, Autosomal Recessive and X-Linked Classification Criteria (2023). Collection method: clinical testing. Allele origin: unknown.
Comment: This variant is considered likely pathogenic. This variant occurs within a consensus splice junction and is predicted to result in abnormal mRNA splicing of either an out-of-frame exon or an in-frame exon necessary for protein stability and/or normal function.

Clinical Genetics Laboratory, Skane University Hospital Lund
Classification: Pathogenic. Last evaluated: 2022-05-27. Review status: criteria provided, single submitter. Criteria: ACMG Guidelines, 2015. Collection method: clinical testing. Allele origin: germline. Affected: yes.

Literature cited by the submitters: PubMed 17411426 (cited by Labcorp Genetics (formerly Invitae), Labcorp and Ambry Genetics); PubMed 22987206 (cited by Ambry Genetics); PubMed 8381580 (cited by Ambry Genetics).